The following is an entry in ClinVar:

ClinVar aggregate classification (germline): Uncertain significance (1 of 4 stars; one submission).

Conditions:
Jeune thoracic dystrophy. Also called: Jeune syndrome; Infantile thoracic dystrophy; Thoracic pelvic phalangeal dystrophy; Jeune's syndrome; Chondroectodermal dysplasia-like syndrome; Short-rib thoracic dysplasia. Identifiers: Orphanet 474, MedGen C0265275, MONDO:0018770.

Submission:

Labcorp Genetics (formerly Invitae), Labcorp
Classification: Uncertain significance for Jeune thoracic dystrophy. Last evaluated: 2025-06-04. Review status: criteria provided, single submitter. Criteria: Invitae Variant Classification Sherloc (09022015). Collection method: clinical testing. Allele origin: germline.
Comment: This sequence change replaces glutamic acid, which is acidic and polar, with alanine, which is neutral and non-polar, at codon 2393 of the DYNC2H1 protein (p.Glu2393Ala). This variant is not present in population databases (gnomAD no frequency). This variant has not been reported in the literature in individuals affected with DYNC2H1-related conditions. Invitae Evidence Modeling of protein sequence and biophysical properties (such as structural, functional, and spatial information, amino acid conservation, physicochemical variation, residue mobility, and thermodynamic stability) indicates that this missense variant is expected to disrupt DYNC2H1 protein function with a positive predictive value of 95%. In summary, the available evidence is currently insufficient to determine the role of this variant in disease. Therefore, it has been classified as a Variant of Uncertain Significance.

NM_001377.3(DYNC2H1):c.7178A>C (p.Glu2393Ala)

Gene: DYNC2H1 (dynein cytoplasmic 2 heavy chain 1; plus strand). Cytogenetic location: 11q22.3.
Variant type: single nucleotide variant.
Coding change: c.7178A>C on transcript NM_001377.3 (MANE Select); coding-DNA position 7178, A replaced by C.
Protein change: p.Glu2393Ala; replaces glutamic acid 2393 with alanine.
Molecular consequence: missense variant.
Genome position (GRCh38, 1-based): chr11:103,188,534, A>C. VCF-style: chr11-103188534-A-C. GRCh37 (hg19) VCF-style: chr11-103059263-A-C.
Other names: c.7178A>C, p.Glu2393Ala (NM_001080463.2); short protein forms E2393A.
Identifiers: ClinVar variation 4765026 (VCV004765026.1).